The following is an entry in ClinVar:

NM_032776.3(JMJD1C):c.6826G>A (p.Ala2276Thr)

Gene: JMJD1C (jumonji domain containing 1C; minus strand). Cytogenetic location: 10q21.3.
Variant type: single nucleotide variant.
Coding change: c.6826G>A on transcript NM_032776.3 (MANE Select); coding-DNA position 6826, G replaced by A.
Protein change: p.Ala2276Thr; replaces alanine 2276 with threonine.
Molecular consequence: missense variant. On other transcripts: non-coding transcript variant (1).
Genome position (GRCh38, 1-based): chr10:63,185,567, C>T on the plus strand (G>A on the coding strand, the complement: JMJD1C is on the minus strand). VCF-style: chr10-63185567-C-T. GRCh37 (hg19) VCF-style: chr10-64945327-C-T.
Other names: c.6280G>A, p.Ala2094Thr (NM_001282948.2, NM_001318154.2); c.5962G>A, p.Ala1988Thr (NM_001318153.2); c.6712G>A, p.Ala2238Thr (NM_001322252.2); c.6169G>A, p.Ala2057Thr (NM_001322254.2, NM_001322258.2); c.6826G>A (NM_032776.1); short protein forms A2238T, A2276T, A2094T, A1988T, A2057T.
Identifiers: ClinVar variation 3708396 (VCV003708396.3).

ClinVar aggregate classification (germline): Uncertain significance. Review status: criteria provided, multiple submitters, no conflicts (2 of 4 stars). 2 submissions from 2 submitters: Uncertain significance (2). Last evaluated 2025-08-23.

Conditions:
Early Myoclonic Encephalopathy. Identifiers: MedGen C0270855.

Submissions (2):

Ambry Genetics
Classification: Uncertain significance. Last evaluated: 2025-08-23. Review status: criteria provided, single submitter. Criteria: Ambry Variant Classification Scheme 2023. Collection method: clinical testing. Allele origin: germline.

Labcorp Genetics (formerly Invitae), Labcorp
Classification: Uncertain significance for Early Myoclonic Encephalopathy. Last evaluated: 2024-12-30. Review status: criteria provided, single submitter. Criteria: Invitae Variant Classification Sherloc (09022015). Collection method: clinical testing. Allele origin: germline.
Comment: This sequence change replaces alanine, which is neutral and non-polar, with threonine, which is neutral and polar, at codon 2276 of the JMJD1C protein (p.Ala2276Thr). This variant is not present in population databases (gnomAD no frequency). This variant has not been reported in the literature in individuals affected with JMJD1C-related conditions. Invitae Evidence Modeling of protein sequence and biophysical properties (such as structural, functional, and spatial information, amino acid conservation, physicochemical variation, residue mobility, and thermodynamic stability) indicates that this missense variant is not expected to disrupt JMJD1C protein function with a negative predictive value of 80%. In summary, the available evidence is currently insufficient to determine the role of this variant in disease. Therefore, it has been classified as a Variant of Uncertain Significance.